The following is an entry in ClinVar:

ClinVar aggregate classification (germline): Uncertain significance (1 of 4 stars; one submission).

Conditions:
Hereditary cancer-predisposing syndrome. Also called: Tumor predisposition; Neoplastic Syndromes, Hereditary; Hereditary Cancer Syndrome; Hereditary neoplastic syndrome. Identifiers: Orphanet 140162, MedGen C0027672, MeSH D009386, MONDO:0015356.

Submission:

Ambry Genetics
Classification: Uncertain significance for Hereditary cancer-predisposing syndrome. Last evaluated: 2024-08-09. Review status: criteria provided, single submitter. Criteria: Ambry Variant Classification Scheme 2023. Collection method: clinical testing. Allele origin: germline.
Comment: The p.A2780G variant (also known as c.8339C>G), located in coding exon 18 of the BRCA2 gene, results from a C to G substitution at nucleotide position 8339. The alanine at codon 2780 is replaced by glycine, an amino acid with similar properties. This amino acid position is well conserved in available vertebrate species. In addition, the in silico prediction for this alteration is inconclusive. Based on the available evidence, the clinical significance of this variant remains unclear.

NM_000059.4(BRCA2):c.8339C>G (p.Ala2780Gly)

Gene: BRCA2 (BRCA2 DNA repair associated; plus strand). Cytogenetic location: 13q13.1.
Variant type: single nucleotide variant.
Coding change: c.8339C>G on transcript NM_000059.4 (MANE Select); coding-DNA position 8339, C replaced by G.
Protein change: p.Ala2780Gly; replaces alanine 2780 with glycine.
Molecular consequence: missense variant. On other transcripts: non-coding transcript variant (1).
Genome position (GRCh38, 1-based): chr13:32,370,409, C>G. VCF-style: chr13-32370409-C-G. GRCh37 (hg19) VCF-style: chr13-32944546-C-G.
Other names: c.8243C>G, p.Ala2748Gly (NM_001406719.1); c.8339C>G, p.Ala2780Gly (NM_001406720.1, NM_001432077.1); c.3407C>G, p.Ala1136Gly (NM_001406721.1); c.1922C>G, p.Ala641Gly (NM_001406722.1); short protein forms A1136G, A2748G, A2780G, A641G.
Identifiers: ClinVar variation 3482040 (VCV003482040.1).